The following is an entry in ClinVar:

ClinVar aggregate classification (germline): Conflicting classifications of pathogenicity. Review status: criteria provided, conflicting classifications (1 of 4 stars). 17 submissions from 17 submitters: Uncertain significance (6); Likely benign (7). 4 of the submissions do not count toward it. Last evaluated 2026-02-03.

Conditions:
Cardiovascular phenotype. Identifiers: MedGen CN230736.
Cardiomyopathy (CMYO). Also called: Cardiomyopathies. Identifiers: Orphanet 167848, MedGen C0878544, MONDO:0004994, HP:0001638. Inheritance: Various modes of inheritance.
Dilated cardiomyopathy 1BB (CMD1BB). Also called: CARDIOMYOPATHY, DILATED, 1BB, SUSCEPTIBILITY TO. Identifiers: Orphanet 154, MedGen C2752072, MONDO:0013030, OMIM 612877.
Arrhythmogenic right ventricular dysplasia 10. Also called: Arrhythmogenic right ventricular dysplasia/cardiomyopathy, type 10; ARRHYTHMOGENIC RIGHT VENTRICULAR DYSPLASIA, FAMILIAL, 10; Arrhythmogenic Right Ventricular Dysplasia/Cardiomyopathy10. Identifiers: MedGen C1857777, MONDO:0012434, OMIM 610193.

Allele frequency attached by ClinVar (database versions not stated): 1000 Genomes Project 30x 0.00016; ESP Exome Variant Server 0.00017; gnomAD exomes 0.00024; gnomAD 0.00054 and 0.00055; TOPMed 0.00065; ExAC 0.00215.
gnomAD v4.1: 1,177 of 1,263,690 alleles (0.093%); highest among the groups gnomAD compares: Non-Finnish European, 0.11%; no homozygotes.

Submissions (17):

Labcorp Genetics (formerly Invitae), Labcorp
Classification: Likely benign for Arrhythmogenic right ventricular dysplasia 10. Last evaluated: 2026-02-03. Review status: criteria provided, single submitter. Criteria: Invitae Variant Classification Sherloc (09022015). Collection method: clinical testing. Allele origin: germline.

Molecular Diagnostic Laboratory for Inherited Cardiovascular Disease, Montreal Heart Institute
Classification: Likely benign. Last evaluated: 2025-04-08. Review status: criteria provided, single submitter. Criteria: ACMG Guidelines, 2015. Collection method: clinical testing. Allele origin: germline. Affected: no.

Blueprint Genetics
Classification: Likely benign. Last evaluated: 2024-11-15. Review status: criteria provided, single submitter. Criteria: ACMG Guidelines, 2015. Collection method: clinical testing. Allele origin: germline.

CHEO Genetics Diagnostic Laboratory, Children's Hospital of Eastern Ontario
Classification: Uncertain significance for Cardiomyopathy. Last evaluated: 2022-04-08. Review status: criteria provided, single submitter. Criteria: ACMG Guidelines, 2015. Collection method: clinical testing. Allele origin: germline.

Victorian Clinical Genetics Services, Murdoch Childrens Research Institute
Classification: Uncertain significance for Dilated cardiomyopathy 1BB. Last evaluated: 2021-05-06. Review status: criteria provided, single submitter. Criteria: ACMG Guidelines, 2015. Collection method: clinical testing. Allele origin: germline. Affected: yes.
Comment: Based on the classification scheme VCGS_Germline_v1.3.4, this variant is classified as VUS-3C. Following criteria are met: 0103 - Loss of function and gain of function are reported mechanisms of disease in this gene and are associated with arrhythmogenic right ventricular dysplasia 10 (ARVD 10; MIM#610193) and dilated cardiomyopathy 1BB (DCM; MIM#612877) (ClinVar, PMID: 23071725). (I) 0108 - This gene is associated with both recessive and dominant disease. It is commonly associated to dominant inheritance, however recessive has been reported in severe DCM patients (OMIM). (I) 0112 - The ARVD condition associated with this gene has incomplete penetrance (OMIM). (I) 0200 - Variant is predicted to result in a missense amino acid change from leucine to glutamine. (I) 0251 - This variant is heterozygous. (I) 0308 - Population frequency for this variant is out of keeping with known incidence of ARVD 10 or DCM. (SB) 0502 - Missense variant with conflicting in silico predictions and uninformative conservation. (I) 0600 - Variant is located in the annotated signal sequence domain (PMID: 30885746). (I) 0705 - No comparable missense variants have previous evidence for pathogenicity. (I) 0808 - Previous reports of pathogenicity for this variant are conflicting. This variant has been reported in a few ARVC related studies without proper classification (PMID: 20031616, 28600387, 30885746, 31402444). It has also been reported as VUS in individuals with ARVC and likely benign in individuals with cardiovascular phenotypes in ClinVar and various other databases (LOVD, ARVC genetic variant db). (I) 0905 - No published segregation evidence has been identified for this variant. (I) 1007 - No published functional evidence has been identified for this variant. (I) 1208 - Inheritance information for this variant is not currently available in this individual. (I) Legend: (SP) - Supporting pathogenic, (I) - Information, (SB) - Supporting benign

Women's Health and Genetics/Laboratory Corporation of America, LabCorp
Classification: Likely benign. Last evaluated: 2021-04-20. Review status: criteria provided, single submitter. Criteria: LabCorp Variant Classification Summary - May 2015. Collection method: clinical testing. Allele origin: germline.
Comment: Variant summary: DSG2 c.44T>A (p.Leu15Gln) results in a non-conservative amino acid change in the encoded protein sequence. Four of five in-silico tools predict a benign effect of the variant on protein function. The variant also alters a conserved nucleotide in the exonic-splice region located at the second to last nucleotide of exon 1 before the canonical intron 1 splice donor site. 4/4 computational tools predict no significant impact on normal splicing. However, these predictions have yet to be confirmed by functional studies. The variant allele was found at a frequency of 0.00032 in 56632 control chromosomes. The observed variant frequency is approximately 13 fold of the estimated maximal expected allele frequency for a pathogenic variant in DSG2 causing Cardiomyopathy phenotype (2.5e-05), strongly suggesting that the variant is benign. c.44T>A has been reported in the literature in individuals affected with ARVD (Bhuyian_2009), ARVC (Mellor_2017, Ye_2019). These report(s) do not provide unequivocal conclusions about association of the variant with DSG2 associated Cardiomyopathy/ARVD/ARVC. One recent report proposes a categorization of this variant as a disease-modifier while acknowledging its prevalence greater than expected for a monogenic disease causation (Ye_2019). However, this is not supported by convincing data supporting its role as a disease modifier. To our knowledge, no experimental evidence demonstrating an impact on protein function has been reported. Ten clinical diagnostic laboratories have submitted clinical-significance assessments for this variant to ClinVar after 2014 without evidence for independent evaluation. Multiple laboratories reported the variant with conflicting assessments (VUS, n=8, likely benign, n=2). Some submitters cite overlapping evidence utilized in the context of this evaluation. One submitter reports an unspecified co-occurence with a mutation in another gene that clearly explains a proband's phenotype. Based on the evidence outlined above, the variant was classified as likely benign.

GeneDx
Classification: Likely benign. Last evaluated: 2021-02-09. Review status: criteria provided, single submitter. Criteria: GeneDx Variant Classification Process June 2021. Collection method: clinical testing. Allele origin: germline. Affected: yes.
Comment: This variant is associated with the following publications: (PMID: 20031616, 18639457, 28600387, 31402444)

Ambry Genetics
Classification: Likely benign for Cardiovascular phenotype. Last evaluated: 2019-12-04. Review status: criteria provided, single submitter. Criteria: Ambry Variant Classification Scheme 2023. Collection method: clinical testing. Allele origin: germline.

Color Diagnostics, LLC DBA Color Health
Classification: Likely benign for Cardiomyopathy. Last evaluated: 2019-11-02. Review status: criteria provided, single submitter. Criteria: ACMG Guidelines, 2015. Collection method: clinical testing. Allele origin: germline.

ARUP Laboratories, Molecular Genetics and Genomics, ARUP Laboratories
Classification: Uncertain significance. Last evaluated: 2019-06-10. Review status: criteria provided, single submitter. Criteria: ARUP Molecular Germline Variant Investigation Process. Collection method: clinical testing. Allele origin: germline.
Comment: The p.Leu15Gln variant (rs372174546) has been previously reported as an unclassified variant in one patient with probable arrhythmogenic right ventricular dysplasia / cardiomyopathy (Bhuiyan 2009), one from a cohort of cardiac arrest survivors (Mellor 2017), and has been reported to ClinVar (Variation ID: 44318). This variant is listed in the genome Aggregation Database with an overall population frequency of 0.02 percent (identified on 18 out of 56,058 chromosomes). The leucine at position 15 is weakly conserved (Alamut v2.8.1) and computational analyses of the effects of the p.Leu15Gln variant on protein structure and function indicate a neutral effect (SIFT: tolerated, MutationTaster: polymorphism, PolyPhen-2: benign). Altogether, there is not enough evidence to classify the p.Leu15Gln variant with certainty.

Illumina Laboratory Services, Illumina
Classification: Uncertain significance for Arrhythmogenic right ventricular dysplasia 10. Last evaluated: 2018-02-28. Review status: criteria provided, single submitter. Criteria: ICSL Variant Classification Criteria 13 December 2019. Collection method: clinical testing. Allele origin: germline.
Comment: This variant was observed as part of a predisposition screen in an ostensibly healthy population. A literature search was performed for the gene, cDNA change, and amino acid change (where applicable). Publications were found based on this search. However, the evidence from the literature, in combination with allele frequency data from public databases where available, was not sufficient to rule this variant in or out of causing disease. Therefore, this variant is classified as a variant of unknown significance.

Stanford Center for Inherited Cardiovascular Disease, Stanford University
Classification: Uncertain significance. Last evaluated: 2017-06-14. Review status: criteria provided, single submitter. Criteria: ACMG Guidelines, 2015. Collection method: provider interpretation. Allele origin: germline.

Laboratory for Molecular Medicine, Mass General Brigham Personalized Medicine
Classification: Uncertain significance. Last evaluated: 2015-05-28. Review status: criteria provided, single submitter. Criteria: LMM Criteria. Collection method: clinical testing. Allele origin: germline. Observed: 7 variant alleles.
Comment: Variant classified as Uncertain Significance - Favor Benign. This variant has also been identified in 0.4% (6/1706) of E uropean chromosomes by the Exome Aggregation Consortium (ExAC; dbSNP rs372174546). This variant is located in the last three bas es of the exon, which is part of the 5? splice region. Although computational to ols do not suggest an impact to the functionality of the 5' splice site, this in formation is not predictive enough to rule out pathogenicity. In summary, while the clinical significance of the p.Leu15Gln variant is uncertain, its frequency suggests that it is more likely to be benign.

Clinical Genetics DNA and cytogenetics Diagnostics Lab, Erasmus MC, Erasmus Medical Center
Classification: Likely benign. Review status: no assertion criteria provided. Collection method: clinical testing. Allele origin: germline. Affected: yes. Study: VKGL Data-share Consensus. Not counted in ClinVar's aggregate classification.

Clinical Genetics, Academic Medical Center
Classification: Likely benign. Review status: no assertion criteria provided. Collection method: clinical testing. Allele origin: germline. Affected: yes. Study: VKGL Data-share Consensus. Not counted in ClinVar's aggregate classification.

Genome Diagnostics Laboratory, University Medical Center Utrecht
Classification: Likely benign. Review status: no assertion criteria provided. Collection method: clinical testing. Allele origin: germline. Affected: yes. Study: VKGL Data-share Consensus. Not counted in ClinVar's aggregate classification.

Laboratory of Diagnostic Genome Analysis, Leiden University Medical Center (LUMC)
Classification: Likely benign. Review status: no assertion criteria provided. Collection method: clinical testing. Allele origin: germline. Affected: yes. Study: VKGL Data-share Consensus. Not counted in ClinVar's aggregate classification.

Literature cited by the submitters: PubMed 20031616 (cited by 4 submitters); PubMed 23071725 (cited by Victorian Clinical Genetics Services, Murdoch Childrens Research Institute); PubMed 28600387 (cited by 3 submitters); PubMed 30885746 (cited by Victorian Clinical Genetics Services, Murdoch Childrens Research Institute and Women's Health and Genetics/Laboratory Corporation of America, LabCorp); PubMed 31402444 (cited by Victorian Clinical Genetics Services, Murdoch Childrens Research Institute and Women's Health and Genetics/Laboratory Corporation of America, LabCorp); PubMed 18639457 (cited by Laboratory for Molecular Medicine, Mass General Brigham Personalized Medicine).

NM_001943.5(DSG2):c.44T>A (p.Leu15Gln)

Genes: DSG2 (desmoglein 2; plus strand), LOC130062340 (ATAC-STARR-seq lymphoblastoid silent region 9384; plus strand). Cytogenetic location: 18q12.1.
Variant type: single nucleotide variant.
Coding change: c.44T>A on transcript NM_001943.5 (MANE Select); coding-DNA position 44, T replaced by A.
Protein change: p.Leu15Gln; replaces leucine 15 with glutamine.
Molecular consequence: missense variant.
Genome position (GRCh38, 1-based): chr18:31,498,295, T>A. VCF-style: chr18-31498295-T-A. GRCh37 (hg19) VCF-style: chr18-29078258-T-A.
Other names: p.L15Q:CTG>CAG; short protein forms L15Q.
Identifiers: ClinVar variation 44318 (VCV000044318.52), dbSNP rs372174546, ClinGen allele CA022107.